The following is an entry in ClinVar:

NM_001710.6(CFB):c.2140-74A>G

Gene: CFB (complement factor B; plus strand). Cytogenetic location: 6p21.33.
Variant type: single nucleotide variant.
Coding change: c.2140-74A>G on transcript NM_001710.6 (MANE Select); 74 bases into the intron before coding-DNA position 2140, A replaced by G.
Molecular consequence: intron variant.
Genome position (GRCh38, 1-based): chr6:31,951,801, A>G. VCF-style: chr6-31951801-A-G. GRCh37 (hg19) VCF-style: chr6-31919578-A-G.
Identifiers: ClinVar variation 1209734 (VCV001209734.5), dbSNP rs2072633, ClinGen allele CA12187930.

ClinVar aggregate classification (germline): Benign. Review status: criteria provided, multiple submitters, no conflicts (2 of 4 stars). 4 submissions from 3 submitters: Benign (4). Last evaluated 2025-09-26.

Conditions:
Atypical hemolytic-uremic syndrome with B factor anomaly. Also called: HEMOLYTIC UREMIC SYNDROME, ATYPICAL, SUSCEPTIBILITY TO, 4; AHUS, SUSCEPTIBILITY TO, 4. Identifiers: Orphanet 2134, MedGen C2752038, MONDO:0013042, OMIM 612924.
Complement factor b deficiency. Identifiers: MedGen C3809950, MONDO:0014255, OMIM 615561.
Atypical hemolytic-uremic syndrome. Identifiers: Orphanet 2134, MedGen C2931788, MONDO:0016244.

Allele frequency attached by ClinVar (database versions not stated): gnomAD exomes 0.56468; TOPMed 0.58778; gnomAD 0.58857 and 0.59204; 1000 Genomes Project 0.61741; 1000 Genomes Project 30x 0.62055.
gnomAD v4.1: 911,783 of 1,607,806 alleles (57%); highest among the groups gnomAD compares: Middle Eastern, 79%; 263,825 homozygotes.

Submissions (4):

Genomenon, Inc
Classification: Benign for Atypical hemolytic-uremic syndrome. Last evaluated: 2025-09-26. Review status: criteria provided, single submitter. Criteria: Genomenon Sequence Variant Interpretation Standards - Updated. Collection method: curation. Allele origin: germline. Affected: no.
Comment: CFB c.2140-74A>G is an intronic variant located in intron 17. This variant has been reported in the published literature (PMID:29682912). This variant is present at high allele frequency in population databases. In conclusion, we classify CFB c.2140-74A>G as a benign variant.

Genome-Nilou Lab
Classification: Benign for Complement factor b deficiency. Last evaluated: 2021-07-22. Review status: criteria provided, single submitter. Criteria: ACMG Guidelines, 2015. Collection method: clinical testing. Allele origin: germline. Affected: no.

Genome-Nilou Lab
Classification: Benign for Atypical hemolytic-uremic syndrome with B factor anomaly. Last evaluated: 2021-07-22. Review status: criteria provided, single submitter. Criteria: ACMG Guidelines, 2015. Collection method: clinical testing. Allele origin: germline. Affected: no.

GeneDx
Classification: Benign. Last evaluated: 2018-11-10. Review status: criteria provided, single submitter. Criteria: GeneDx Variant Classification Process June 2021. Collection method: clinical testing. Allele origin: germline. Affected: yes.

Literature cited by the submitters: PubMed 29682912 (cited by Genomenon, Inc).